The following is an entry in ClinVar:

NM_001395373.1(GOLGA8S):c.1224T>C (p.Arg408=)

Gene: GOLGA8S (golgin A8 family member S; plus strand). Cytogenetic location: 15q11.2.
Variant type: single nucleotide variant.
Coding change: c.1224T>C on transcript NM_001395373.1 (MANE Select); coding-DNA position 1224, T replaced by C.
Protein change: p.Arg408=; no amino-acid change (arginine 408 retained).
Molecular consequence: synonymous variant.
Genome position (GRCh38, 1-based): chr15:23,363,170, T>C. VCF-style: chr15-23363170-T-C. GRCh37 (hg19) VCF-style: chr15-23608317-T-C.
Other names: c.546T>C, p.Arg182= (NM_001355465.2).
Identifiers: ClinVar variation 4533814 (VCV004533814.6).

ClinVar aggregate classification (germline): Likely benign (1 of 4 stars; one submission).

Submission:

CeGaT Center for Human Genetics Tuebingen
Classification: Likely benign. Last evaluated: 2025-10-01. Review status: criteria provided, single submitter. Criteria: CeGaT Center For Human Genetics Tuebingen Variant Classification Criteria Version 2. Collection method: clinical testing. Allele origin: germline. Affected: yes. Observed: 1 variant allele.
Comment: GOLGA8S: BP4, BP7